The following is an entry in ClinVar:

NM_001267550.2(TTN):c.96464del (p.Val32155fs)

Genes: TTN-AS1 (TTN antisense RNA 1; plus strand), TTN (titin; minus strand), LOC126806421 (CDK7 strongly-dependent group 2 enhancer GRCh37_chr2:179407630-179408829; plus strand). Cytogenetic location: 2q31.2.
Variant type: Deletion.
Coding change: c.96464del on transcript NM_001267550.2 (MANE Select); coding-DNA position 96464, one base deleted (T; older notation c.96464delT).
Protein change: p.Val32155fs; shifts the reading frame from valine 32155.
Molecular consequence: frameshift variant.
Genome position (GRCh38, 1-based): chr2:178,543,509, A deleted on the plus strand (T on the coding strand, the reverse complement: TTN is on the minus strand). VCF-style (leftmost placement, unchanged base first): chr2-178543508-TA-T. GRCh37 (hg19) VCF-style: chr2-179408235-TA-T.
Other names: c.91541del, p.Val30514fs (NM_001256850.1); c.69269del, p.Val23090fs (NM_003319.4); c.88760del, p.Val29587fs (NM_133378.4); c.69644del, p.Val23215fs (NM_133432.3); c.69845del, p.Val23282fs (NM_133437.4); short protein forms V23090fs, V23215fs, V23282fs, V29587fs, V30514fs, V32155fs.
Identifiers: ClinVar variation 1338801 (VCV001338801.1), dbSNP rs2154143564, ClinGen allele CA2573051773.

ClinVar aggregate classification (germline): Likely pathogenic (1 of 4 stars; one submission).

Conditions:
Dilated cardiomyopathy 1G (CMD1G). Identifiers: Orphanet 154, MedGen C1858763, MONDO:0011400, OMIM 604145.

Submission:

Institute of Human Genetics, University of Leipzig Medical Center
Classification: Likely pathogenic for Dilated cardiomyopathy 1G. Last evaluated: 2022-01-19. Review status: criteria provided, single submitter. Criteria: ACMG Guidelines, 2015. Collection method: clinical testing. Allele origin: unknown.
Comment: _x000D_ Criteria applied: PVS1, PM2_SUP